The following is an entry in ClinVar:

ClinVar aggregate classification (germline): Uncertain significance (1 of 4 stars; one submission).

Submission:

GeneDx
Classification: Uncertain significance. Last evaluated: 2024-10-24. Review status: criteria provided, single submitter. Criteria: GeneDx Variant Classification Process June 2021. Collection method: clinical testing. Allele origin: germline. Affected: yes.
Comment: In silico analysis indicates that this missense variant does not alter protein structure/function; Has not been previously published as pathogenic or benign to our knowledge; This variant is associated with the following publications: (PMID: 21520338, 31554319, 9590290)

NM_005422.4(TECTA):c.3925G>T (p.Ala1309Ser)

Genes: TBCEL-TECTA (TBCEL-TECTA readthrough; plus strand), TECTA (tectorin alpha; plus strand). Cytogenetic location: 11q23.3.
Variant type: single nucleotide variant.
Coding change: c.3925G>T on transcript NM_005422.4 (MANE Select); coding-DNA position 3925, G replaced by T.
Protein change: p.Ala1309Ser; replaces alanine 1309 with serine.
Molecular consequence: missense variant.
Genome position (GRCh38, 1-based): chr11:121,145,936, G>T. VCF-style: chr11-121145936-G-T. GRCh37 (hg19) VCF-style: chr11-121016645-G-T.
Other names: c.4882G>T, p.Ala1628Ser (NM_001378761.1); short protein forms A1309S, A1628S.
Identifiers: ClinVar variation 3893467 (VCV003893467.1).